The following is an entry in ClinVar:

ClinVar aggregate classification (germline): Pathogenic (1 of 4 stars; one submission).

Conditions:
Frasier syndrome. Identifiers: Orphanet 347, MedGen C0950122, MeSH D052159, MONDO:0007635, OMIM 136680.
Wilms tumor 1 (WT1). Also called: Wilms tumor, somatic. Identifiers: Orphanet 654, MedGen CN033288, MONDO:0008679, OMIM 194070.
11p partial monosomy syndrome (WAGR). Also called: CHROMOSOME 11p13 DELETION SYNDROME; WAGR syndrome; WAGR Spectrum Disorder; WAGR Complex. Identifiers: Orphanet 893, MedGen C0206115, MONDO:0008681, OMIM 194072.
Drash syndrome (DDS). Also called: WILMS TUMOR AND PSEUDO- OR TRUE HERMAPHRODITISM; NEPHROPATHY, WILMS TUMOR, AND GENITAL ANOMALIES. Identifiers: Orphanet 220, MedGen C0950121, MONDO:0008682, OMIM 194080.

Submission:

Labcorp Genetics (formerly Invitae), Labcorp
Classification: Pathogenic for Wilms tumor 1; Drash syndrome; 11p partial monosomy syndrome; Frasier syndrome. Last evaluated: 2019-04-20. Review status: criteria provided, single submitter. Criteria: Invitae Variant Classification Sherloc (09022015). Collection method: clinical testing. Allele origin: germline.
Comment: For these reasons, this variant has been classified as Pathogenic. Loss-of-function variants in WT1 are known to be pathogenic (PMID: 15150775). A similar variant has been observed de novo in an individual affected with early onset unilateral nephroblastoma¬†(PMID:¬†1350671). This variant is an out-of-frame deletion of the genomic region encompassing exons 6 and 7 of the WT1 gene. This is expected to create a premature translational stop signal and result in an absent or disrupted protein product.

Literature cited by the submitters: PubMed 15150775.

NC_000011.10:g.(?_32396247)_(32400054_?)del

Gene: WT1 (WT1 transcription factor; minus strand). Cytogenetic location: 11p13.
Variant type: Deletion.
Identifiers: ClinVar variation 833202 (VCV000833202.10).